The following is an entry in ClinVar:

NM_000093.5(COL5A1):c.1391G>T (p.Gly464Val)

Gene: COL5A1 (collagen type V alpha 1 chain; plus strand). Cytogenetic location: 9q34.3.
Variant type: single nucleotide variant.
Coding change: c.1391G>T on transcript NM_000093.5 (MANE Select); coding-DNA position 1391, G replaced by T.
Protein change: p.Gly464Val; replaces glycine 464 with valine.
Molecular consequence: missense variant.
Genome position (GRCh38, 1-based): chr9:134,738,475, G>T. VCF-style: chr9-134738475-G-T. GRCh37 (hg19) VCF-style: chr9-137630321-G-T.
Other names: p.Gly464Val; c.1391G>T (NM_000093.3); c.1391G>T, p.Gly464Val (NM_001278074.1); short protein forms G464V.
Identifiers: ClinVar variation 4541514 (VCV004541514.2).

ClinVar aggregate classification (germline): Uncertain significance. Review status: criteria provided, multiple submitters, no conflicts (2 of 4 stars). 2 submissions from 2 submitters: Uncertain significance (2). Last evaluated 2026-04-02.

Conditions:
Familial thoracic aortic aneurysm and aortic dissection (TAAD). Also called: Thoracic aortic aneurysms and dissections. Identifiers: Orphanet 91387, MedGen C4707243, MONDO:0019625.

gnomAD v4.1: 8 of 1,614,064 alleles (0.0005%); highest among the groups gnomAD compares: Non-Finnish European, 0.00068%; no homozygotes.

Submissions (2):

Ambry Genetics
Classification: Uncertain significance for Familial thoracic aortic aneurysm and aortic dissection. Last evaluated: 2026-04-02. Review status: criteria provided, single submitter. Criteria: Ambry Variant Classification Scheme 2023. Collection method: clinical testing. Allele origin: germline.
Comment: The p.G464V variant (also known as c.1391G>T), located in coding exon 10 of the COL5A1 gene, results from a G to T substitution at nucleotide position 1391. The glycine at codon 464 is replaced by valine, an amino acid with dissimilar properties. This amino acid position is conserved. In addition, this alteration is predicted to be deleterious by in silico analysis. Based on the available evidence, the clinical significance of this variant remains unclear.

Mayo Clinic Laboratories, Mayo Clinic
Classification: Uncertain significance. Last evaluated: 2025-07-24. Review status: criteria provided, single submitter. Criteria: ACMG Guidelines, 2015. Collection method: clinical testing. Allele origin: germline. Observed: 1 variant allele.
Comment: PP3_moderate